The following is an entry in ClinVar:

ClinVar aggregate classification (germline): Pathogenic (1 of 4 stars; one submission).

Conditions:
Hereditary diffuse gastric adenocarcinoma (HDGC). Also called: DIFFUSE GASTRIC AND LOBULAR BREAST CANCER SYNDROME. Identifiers: Orphanet 26106, MedGen C1708349, MONDO:0007648, OMIM 137215.

Submission:

Myriad Genetics, Inc.
Classification: Pathogenic for Hereditary diffuse gastric adenocarcinoma. Last evaluated: 2023-06-12. Review status: criteria provided, single submitter. Criteria: Myriad Autosomal Dominant, Autosomal Recessive and X-Linked Classification Criteria (2023). Collection method: clinical testing. Allele origin: unknown.
Comment: This variant is considered pathogenic. This variant creates a frameshift predicted to result in premature protein truncation.

NM_004360.5(CDH1):c.1123_1129del (p.Phe375fs)

Gene: CDH1 (cadherin 1; plus strand). Cytogenetic location: 16q22.1.
Variant type: Deletion.
Coding change: c.1123_1129del on transcript NM_004360.5 (MANE Select); coding-DNA positions 1123 to 1129, 7 bases deleted (TTCAATC; older notation c.1123_1129delTTCAATC).
Protein change: p.Phe375fs; shifts the reading frame from phenylalanine 375.
Molecular consequence: frameshift variant. On other transcripts: 5 prime UTR variant (2).
Genome position (GRCh38, 1-based): chr16:68,812,249-68,812,255, TTCAATC deleted; deleting any 7 consecutive bases within chr16:68,812,246-68,812,255 gives the same sequence; the c. name uses the placement nearest the transcript's 3' end. VCF-style (leftmost placement, unchanged base first): chr16-68812245-GATCTTCA-G. GRCh37 (hg19) VCF-style: chr16-68846148-GATCTTCA-G.
Other names: c.1123_1129del, p.Phe375fs (NM_001317184.2); c.-493_-487del (NM_001317185.2); c.-697_-691del (NM_001317186.2); short protein forms F375fs.
Identifiers: ClinVar variation 2583550 (VCV002583550.2), dbSNP rs2543924532, ClinGen allele CA2582342579.